The following is an entry in ClinVar:

ClinVar aggregate classification (germline): Uncertain significance (1 of 4 stars; one submission).

Conditions:
Immunodeficiency 104. Also called: Severe combined immunodeficiency, autosomal recessive, T cell-negative, B cell-positive, NK cell-positive; SCID, AUTOSOMAL RECESSIVE, T CELL-NEGATIVE, B CELL-POSITIVE, NK CELL-POSITIVE; Severe Combined Immune Deficiency, Autosomal Recessive, TCell -Negative, B Cell-Positive, NK Cell-Positive, IL7R-Related; IMMUNODEFICIENCY 104, SEVERE COMBINED. Identifiers: MedGen C5676890, MONDO:0012163, OMIM 608971.

Allele frequency attached by ClinVar (database versions not stated): gnomAD 0.00001; gnomAD exomes 0.00001 and 0.00002; TOPMed 0.00001; ExAC 0.00002; ESP Exome Variant Server 0.00008.
gnomAD v4.1: 12 of 1,612,116 alleles (0.00074%); highest among the groups gnomAD compares: Admixed American, 0.0067%; no homozygotes.

Submission:

Labcorp Genetics (formerly Invitae), Labcorp
Classification: Uncertain significance for Immunodeficiency 104. Last evaluated: 2021-08-30. Review status: criteria provided, single submitter. Criteria: Invitae Variant Classification Sherloc (09022015). Collection method: clinical testing. Allele origin: germline.
Comment: This sequence change falls in intron 7 of the PTPRC gene. It does not directly change the encoded amino acid sequence of the PTPRC protein. It affects a nucleotide within the consensus splice site of the intron. This variant is present in population databases (rs61757807, ExAC 0.01%). This variant has not been reported in the literature in individuals affected with PTPRC-related conditions. ClinVar contains an entry for this variant (Variation ID: 533080). Variants that disrupt the consensus splice site are a relatively common cause of aberrant splicing (PMID: 17576681, 9536098). Algorithms developed to predict the effect of sequence changes on RNA splicing suggest that this variant is not likely to affect RNA splicing. In summary, the available evidence is currently insufficient to determine the role of this variant in disease. Therefore, it has been classified as a Variant of Uncertain Significance.

Literature cited by the submitters: PubMed 17576681; PubMed 9536098.

NM_002838.5(PTPRC):c.658+6A>G

Gene: PTPRC (protein tyrosine phosphatase receptor type C; plus strand). Cytogenetic location: 1q32.1.
Variant type: single nucleotide variant.
Coding change: c.658+6A>G on transcript NM_002838.5 (MANE Select); 6 bases into the intron after coding-DNA position 658, A replaced by G.
Molecular consequence: intron variant.
Genome position (GRCh38, 1-based): chr1:198,703,378, A>G. VCF-style: chr1-198703378-A-G. GRCh37 (hg19) VCF-style: chr1-198672507-A-G.
Other names: c.175+6A>G (NM_080921.4).
Identifiers: ClinVar variation 533080 (VCV000533080.8), dbSNP rs61757807, ClinGen allele CA1314557.
Genomic context (GRCh38, chr1:198,703,378, plus strand): 5'-GAAACAACCACTCTGAGCCCTTCTGGAAGCGCTGTCATTTCAACCACAACAATAGGTGAT[A>G]TTACCCTCAGTCAGGCAGCCACACCATCCCCATGTGCCTGGTGATGTGCTCTCACAAGGG-3'